The following is an entry in ClinVar:

NM_001033855.3(DCLRE1C):c.1503T>C (p.Asp501=)

Gene: DCLRE1C (DNA cross-link repair 1C; minus strand). Cytogenetic location: 10p13.
Variant type: single nucleotide variant.
Coding change: c.1503T>C on transcript NM_001033855.3 (MANE Select); coding-DNA position 1503, T replaced by C.
Protein change: p.Asp501=; no amino-acid change (aspartic acid 501 retained).
Molecular consequence: synonymous variant. On other transcripts: non-coding transcript variant (4).
Genome position (GRCh38, 1-based): chr10:14,908,984, A>G on the plus strand (T>C on the coding strand, the complement: DCLRE1C is on the minus strand). VCF-style: chr10-14908984-A-G. GRCh37 (hg19) VCF-style: chr10-14950983-A-G.
Other names: p.D501D:GAT>GAC; c.1143T>C, p.Asp381= (NM_001033857.3, NM_001033858.3, NM_001289077.2 and 2 more transcripts); c.1158T>C, p.Asp386= (NM_001289076.2, NM_001289078.2, NM_001350966.2 and 1 more transcripts); c.1503T>C, p.Asp501= (NM_001350965.2).
Identifiers: ClinVar variation 137074 (VCV000137074.15), dbSNP rs41300670, ClinGen allele CA290576.

ClinVar aggregate classification (germline): Benign/Likely benign. Review status: criteria provided, multiple submitters, no conflicts (2 of 4 stars). 5 submissions from 5 submitters: Benign (2); Likely benign (2). 1 of the submissions does not count toward it. Last evaluated 2026-01-28.

Conditions:
Histiocytic medullary reticulosis. Also called: SEVERE COMBINED IMMUNODEFICIENCY WITH HYPEREOSINOPHILIA; Omenn syndrome. Identifiers: Orphanet 39041, MedGen C2700553, MONDO:0011338, OMIM 603554.
Severe combined immunodeficiency due to DCLRE1C deficiency (RS-SCID). Also called: SCID, AUTOSOMAL RECESSIVE, T CELL-NEGATIVE, B CELL-NEGATIVE, NK CELL-POSITIVE, WITH SENSITIVITY TO IONIZING RADIATION. Identifiers: Orphanet 275, MedGen C1865371, MONDO:0011225, OMIM 602450.

Allele frequency attached by ClinVar (database versions not stated): ExAC 0.00068; ESP Exome Variant Server 0.00192; 1000 Genomes Project 0.00220; gnomAD 0.00250 and 0.00272; gnomAD exomes 0.00053 and 0.00022; TOPMed 0.00294; 1000 Genomes Project 30x 0.00234.
gnomAD v4.1: 716 of 1,614,166 alleles (0.044%); highest among the groups gnomAD compares: African/African-American, 0.88%; 1 homozygote.

Submissions (5):

Labcorp Genetics (formerly Invitae), Labcorp
Classification: Benign for Athabaskan severe combined immunodeficiency. Last evaluated: 2026-01-28. Review status: criteria provided, single submitter. Criteria: Invitae Variant Classification Sherloc (09022015). Collection method: clinical testing. Allele origin: germline.

Women's Health and Genetics/Laboratory Corporation of America, LabCorp
Classification: Likely benign. Last evaluated: 2026-01-23. Review status: criteria provided, single submitter. Criteria: LabCorp Variant Classification Summary - May 2015. Collection method: clinical testing. Allele origin: germline.

Blueprint Genetics
Classification: Likely benign. Last evaluated: 2024-09-02. Review status: criteria provided, single submitter. Criteria: ACMG Guidelines, 2015. Collection method: clinical testing. Allele origin: germline.

GeneDx
Classification: Benign. Last evaluated: 2013-06-06. Review status: criteria provided, single submitter. Criteria: GeneDx Variant Classification (06012015). Collection method: clinical testing. Allele origin: germline. Affected: yes.
Comment: This variant is considered likely benign or benign based on one or more of the following criteria: it is a conservative change, it occurs at a poorly conserved position in the protein, it is predicted to be benign by multiple in silico algorithms, and/or has population frequency not consistent with disease.

Natera, Inc.
Classification: Benign for Omenn syndrome. Last evaluated: 2020-09-16. Review status: no assertion criteria provided. Collection method: clinical testing. Allele origin: germline. Not counted in ClinVar's aggregate classification.